The following is an entry in ClinVar:

ClinVar aggregate classification (germline): Conflicting classifications of pathogenicity. Review status: criteria provided, conflicting classifications (1 of 4 stars). 2 submissions from 2 submitters: Uncertain significance (1); Likely benign (1). Last evaluated 2025-11-09.

Conditions:
Intellectual developmental disorder, autosomal dominant 6, with or without seizures. Also called: GRIN2B-related developmental delay, intellectual disability and autism spectrum disorder; Intellectual disability, autosomal dominant 6. Identifiers: Orphanet 589547, MedGen C3151411, MONDO:0013509, OMIM 613970.
Developmental and epileptic encephalopathy, 27 (DEE27). Also called: GRIN2B-Related Neurodevelopmental Disorder; Epileptic encephalopathy, early infantile, 27. Identifiers: Orphanet 3451, MedGen C4015316, MONDO:0014505, OMIM 616139.

gnomAD v4.1: 1 of 1,612,540 alleles (0.000062%); highest among the groups gnomAD compares: Non-Finnish European, 0.000085%; no homozygotes.

Submissions (2):

Labcorp Genetics (formerly Invitae), Labcorp
Classification: Likely benign for Developmental and epileptic encephalopathy, 27; Intellectual developmental disorder, autosomal dominant 6, with or without seizures. Last evaluated: 2025-11-09. Review status: criteria provided, single submitter. Criteria: Invitae Variant Classification Sherloc (09022015). Collection method: clinical testing. Allele origin: germline.

Laboratorio de Genetica e Diagnostico Molecular, Hospital Israelita Albert Einstein
Classification: Uncertain significance. Last evaluated: 2019-11-13. Review status: criteria provided, single submitter. Criteria: ACMG Guidelines, 2015. Collection method: clinical testing. Allele origin: germline. Affected: yes.
Comment: ACMG classification criteria: PM2

NM_000834.5(GRIN2B):c.1377G>C (p.Gly459=)

Gene: GRIN2B (glutamate ionotropic receptor NMDA type subunit 2B; minus strand). Cytogenetic location: 12p13.1.
Variant type: single nucleotide variant.
Coding change: c.1377G>C on transcript NM_000834.5 (MANE Select); coding-DNA position 1377, G replaced by C.
Protein change: p.Gly459=; no amino-acid change (glycine 459 retained).
Molecular consequence: synonymous variant.
Genome position (GRCh38, 1-based): chr12:13,615,616, C>G on the plus strand (G>C on the coding strand, the complement: GRIN2B is on the minus strand). VCF-style: chr12-13615616-C-G. GRCh37 (hg19) VCF-style: chr12-13768550-C-G.
Identifiers: ClinVar variation 1626417 (VCV001626417.10), dbSNP rs779734725, ClinGen allele CA478773443.
Genomic context (GRCh38, chr12:13,615,616, plus strand): 5'-GTAAAGGTCATAGGTGAACTTCACAGATTTAGAAATTTTCTTAAGGATGTCAATACAGAA[C>G]CCCTTGCAGCATTTTTTGATGTAACCCGGCTCCTCGTCTGTTTTATTCCTAGCCAATTAA-3'
Protein context (NP_000825.2, residues 449-469): EPGYIKKCCK[Gly459=]FCIDILKKIS